The following is an entry in ClinVar:

NM_003070.5(SMARCA2):c.3006T>G (p.Ala1002=)

Gene: SMARCA2 (SWI/SNF related BAF chromatin remodeling complex subunit ATPase 2; plus strand). Cytogenetic location: 9p24.3.
Variant type: single nucleotide variant.
Coding change: c.3006T>G on transcript NM_003070.5 (MANE Select); coding-DNA position 3006, T replaced by G.
Protein change: p.Ala1002=; no amino-acid change (alanine 1002 retained).
Molecular consequence: synonymous variant.
Genome position (GRCh38, 1-based): chr9:2,097,399, T>G. VCF-style: chr9-2097399-T-G. GRCh37 (hg19) VCF-style: chr9-2097399-T-G.
Other names: c.3006T>G, p.Ala1002= (NM_001289396.2, NM_139045.4); c.2832T>G, p.Ala944= (NM_001289397.2).
Identifiers: ClinVar variation 3032463 (VCV003032463.2), dbSNP rs773271162, ClinGen allele CA4963641.
Genomic context (GRCh38, chr9:2,097,399, plus strand): 5'-ACCAGTTAATAATTAATTCTATTTTTCCCTTTCCACTGGTTCTTAGGGGAAAGGAGGTGC[T>G]AAGACACTTATGAACACTATTATGCAGTTGAGAAAAATCTGCAACCACCCATATATGTTT-3'
Protein context (NP_003061.3, residues 992-1012): SEKDKKGKGG[Ala1002=]KTLMNTIMQL

ClinVar aggregate classification (germline): Likely benign (0 of 4 stars; one submission).

Conditions:
SMARCA2-related disorder. Also called: SMARCA2-related condition.

Allele frequency attached by ClinVar (database versions not stated): gnomAD exomes below 0.00001; ExAC 0.00001; TOPMed 0.00002; gnomAD 0.00003.
gnomAD v4.1: 6 of 1,609,190 alleles (0.00037%); highest among the groups gnomAD compares: African/African-American, 0.008%; no homozygotes.

Submission:

PreventionGenetics, part of Exact Sciences
Classification: Likely benign for SMARCA2-related condition. Last evaluated: 2023-08-24. Review status: no assertion criteria provided. Collection method: clinical testing. Allele origin: germline.
Comment: This variant is classified as likely benign based on ACMG/AMP sequence variant interpretation guidelines (Richards et al. 2015 PMID: 25741868, with internal and published modifications).